The following is an entry in ClinVar:

NM_005506.4(SCARB2):c.1172A>C (p.Lys391Thr)

Gene: SCARB2 (scavenger receptor class B member 2; minus strand). Cytogenetic location: 4q21.1.
Variant type: single nucleotide variant.
Coding change: c.1172A>C on transcript NM_005506.4 (MANE Select); coding-DNA position 1172, A replaced by C.
Protein change: p.Lys391Thr; replaces lysine 391 with threonine.
Molecular consequence: missense variant.
Genome position (GRCh38, 1-based): chr4:76,168,418, T>G on the plus strand (A>C on the coding strand, the complement: SCARB2 is on the minus strand). VCF-style: chr4-76168418-T-G. GRCh37 (hg19) VCF-style: chr4-77089571-T-G.
Other names: c.743A>C, p.Lys248Thr (NM_001204255.2); short protein forms K248T, K391T.
Identifiers: ClinVar variation 951370 (VCV000951370.9), dbSNP rs1732060256, ClinGen allele CA357314258.
Genomic context (GRCh38, chr4:76,168,418, plus strand): 5'-TGGAGCAAAACTGCTGTCCCCTCCATAGAAAGAAGCAAAACTTACACAAAGTCATCTAAT[T>G]TTTTGACATAAATGTTGATTTGGAACCTCTTGGCTGCTTTTAGGATTATTCCAGTCAACT-3'
Protein context (NP_005497.1, residues 381-401): KRFQINIYVK[Lys391Thr]LDDFVETGDI

ClinVar aggregate classification (germline): Uncertain significance (1 of 4 stars; one submission).

Conditions:
Progressive myoclonic epilepsy. Also called: Myoclonic Epilepsies, Progressive; Familial progressive myoclonic epilepsy; Myoclonus epilepsy; Progressive myoclonus epilepsy. Identifiers: Orphanet 308, Orphanet 98261, MedGen C0751778, MONDO:0020074.

Submission:

Labcorp Genetics (formerly Invitae), Labcorp
Classification: Uncertain significance for Progressive myoclonic epilepsy. Last evaluated: 2019-07-30. Review status: criteria provided, single submitter. Criteria: Invitae Variant Classification Sherloc (09022015). Collection method: clinical testing. Allele origin: germline.
Comment: In summary, the available evidence is currently insufficient to determine the role of this variant in disease. Therefore, it has been classified as a Variant of Uncertain Significance. Algorithms developed to predict the effect of missense changes on protein structure and function are either unavailable or do not agree on the potential impact of this missense change (SIFT: "Deleterious"; PolyPhen-2: "Benign"; Align-GVGD: "Class C0"). This variant has not been reported in the literature in individuals with SCARB2-related conditions. This variant is not present in population databases (ExAC no frequency). This sequence change replaces lysine with threonine at codon 391 of the SCARB2 protein (p.Lys391Thr). The lysine residue is highly conserved and there is a moderate physicochemical difference between lysine and threonine.